The following is an entry in ClinVar:

ClinVar aggregate classification (germline): Pathogenic (1 of 4 stars; one submission).

Conditions:
Inborn genetic diseases. Identifiers: MedGen C0950123, MeSH D030342.

Submission:

Ambry Genetics
Classification: Pathogenic for Inborn genetic diseases. Last evaluated: 2025-09-02. Review status: criteria provided, single submitter. Criteria: Ambry Variant Classification Scheme 2023. Collection method: clinical testing. Allele origin: germline.
Comment: The c.535_547del13 (p.A179Pfs*88) alteration, located in exon 1 (coding exon 1) of the FOXL2 gene, consists of a deletion of 13 nucleotides from position 535 to 547, causing a translational frameshift with a predicted alternate stop codon after 88 amino acids. Frameshifts are typically deleterious in nature; however, because FOXL2 is a single-exon gene this alteration is not expected to trigger nonsense-mediated mRNA decay and a truncated protein could still be expressed (Maquat, 2004). This alteration impacts the last 52.7% of the protein and, while the exact functional impact of these amino acids is unknown at this time, a significant portion of the protein is affected (Ambry internal data). This variant was not reported in population-based cohorts in the Genome Aggregation Database (gnomAD). Based on the available evidence, this alteration is classified as pathogenic.

NM_023067.4(FOXL2):c.535_547del (p.Ala179fs)

Gene: FOXL2 (forkhead box L2; minus strand). Cytogenetic location: 3q22.3.
Variant type: Deletion.
Coding change: c.535_547del on transcript NM_023067.4 (MANE Select); coding-DNA positions 535 to 547, 13 bases deleted (GCGGGCGCCGGGG).
Protein change: p.Ala179fs; shifts the reading frame from alanine 179.
Molecular consequence: frameshift variant.
Genome position (GRCh38, 1-based): chr3:138,946,176-138,946,188, CCCCGGCGCCCGC deleted on the plus strand (GCGGGCGCCGGGG on the coding strand, the reverse complement: FOXL2 is on the minus strand); deleting any 13 consecutive bases within chr3:138,946,176-138,946,189 gives the same sequence; the c. name uses the placement nearest the transcript's 3' end. VCF-style (leftmost placement, unchanged base first): chr3-138946175-GCCCCGGCGCCCGC-G. GRCh37 (hg19) VCF-style: chr3-138665017-GCCCCGGCGCCCGC-G.
Other names: short protein forms A179fs.
Identifiers: ClinVar variation 4259325 (VCV004259325.1).
Genomic context (GRCh38, chr3:138,946,175, plus strand): 5'-GAGTTGTTGAGGAAGCCAGACTGCAGGTACTTGGGGGGCGCCAGGTAGCCGTAGCCGTCG[GCCCCGGCGCCCGC>G]CACGCCGCACCCGCCTGCGGCGCCTCCGGCCCCGAAGAGCCCCTTGCCGGGCTGGAAGTG-3'